The following is an entry in ClinVar:

ClinVar aggregate classification (germline): Uncertain significance (1 of 4 stars; one submission).

Submission:

GeneDx
Classification: Uncertain significance. Last evaluated: 2023-06-27. Review status: criteria provided, single submitter. Criteria: GeneDx Variant Classification Process June 2021. Collection method: clinical testing. Allele origin: germline. Affected: yes.
Comment: Not observed at significant frequency in large population cohorts (gnomAD); In silico analysis supports that this missense variant has a deleterious effect on protein structure/function; Has not been previously published as pathogenic or benign to our knowledge

NM_001330700.2(TOP2B):c.3161G>C (p.Arg1054Pro)

Gene: TOP2B (DNA topoisomerase II beta; minus strand). Cytogenetic location: 3p24.2.
Variant type: single nucleotide variant.
Coding change: c.3161G>C on transcript NM_001330700.2 (MANE Select); coding-DNA position 3161, G replaced by C.
Protein change: p.Arg1054Pro; replaces arginine 1054 with proline.
Molecular consequence: missense variant.
Genome position (GRCh38, 1-based): chr3:25,618,752, C>G on the plus strand (G>C on the coding strand, the complement: TOP2B is on the minus strand). VCF-style: chr3-25618752-C-G. GRCh37 (hg19) VCF-style: chr3-25660243-C-G.
Other names: c.3146G>C, p.Arg1049Pro (NM_001068.3); short protein forms R1049P, R1054P.
Identifiers: ClinVar variation 3360380 (VCV003360380.1).